The following is an entry in ClinVar:

ClinVar aggregate classification (germline): Uncertain significance (1 of 4 stars; one submission).

Conditions:
Leigh syndrome (NULS). Also called: Leigh's necrotizing encephalopathy; Leigh's disease; Leigh Syndrome (mtDNA deletion); Leigh Disease; Subacute necrotizing encephalopathy; Necrotizing encephalopathy infantile subacute of Leigh. Identifiers: Orphanet 506, MedGen C2931891, MONDO:0009723, OMIM 256000.

Submission:

Wong Mito Lab, Molecular and Human Genetics, Baylor College of Medicine
Classification: Uncertain significance for Leigh syndrome. Last evaluated: 2019-10-17. Review status: criteria provided, single submitter. Criteria: Modified ACMG Guidelines (Unpublished). Collection method: clinical testing. Allele origin: germline.
Comment: The NC_012920.1:m.6876G>A (YP_003024028.1:p.Ala325Thr) variant in MTCO1 gene is interpretated to be a Uncertain Significance variant based on the modified ACMG guidelines (unpublished). This variant meets the following evidence codes: PP3, PP7

NC_012920.1(MT-CO1):m.6876G>A

Gene: MT-CO1 (mitochondrially encoded cytochrome c oxidase I; plus strand).
Variant type: single nucleotide variant.
Genome position: chrM-6876-G-A.
Identifiers: ClinVar variation 692679 (VCV000692679.1), dbSNP rs1603220659, ClinGen allele CA414786958.